The following is an entry in ClinVar:

ClinVar aggregate classification (germline): Uncertain significance (1 of 4 stars; one submission).

gnomAD v4.1: 4 of 1,612,810 alleles (0.00025%); highest among the groups gnomAD compares: Non-Finnish European, 0.00025%; no homozygotes.

Submission:

GeneDx
Classification: Uncertain significance. Last evaluated: 2026-05-21. Review status: criteria provided, single submitter. Criteria: GeneDx Variant Classification Process June 2021. Collection method: clinical testing. Allele origin: germline.
Comment: Reported in a patient from a USP7 registry cohort, however specific clinical information was not provided (PMID: 38221796); Not observed at significant frequency in large population cohorts (gnomAD); In silico analysis supports that this missense variant has a deleterious effect on protein structure/function; This variant is associated with the following publications: (PMID: 40845231, 38221796)

NM_003470.3(USP7):c.1018C>T (p.Arg340Trp)

Gene: USP7 (ubiquitin specific peptidase 7; minus strand). Cytogenetic location: 16p13.2.
Variant type: single nucleotide variant.
Coding change: c.1018C>T on transcript NM_003470.3 (MANE Select); coding-DNA position 1018, C replaced by T.
Protein change: p.Arg340Trp; replaces arginine 340 with tryptophan.
Molecular consequence: missense variant. On other transcripts: non-coding transcript variant (1).
Genome position (GRCh38, 1-based): chr16:8,915,314, G>A on the plus strand (C>T on the coding strand, the complement: USP7 is on the minus strand). VCF-style: chr16-8915314-G-A. GRCh37 (hg19) VCF-style: chr16-9009171-G-A.
Other names: c.970C>T, p.Arg324Trp (NM_001286457.2); c.721C>T, p.Arg241Trp (NM_001286458.2); c.844C>T, p.Arg282Trp (NM_001321858.2); short protein forms R241W, R282W, R324W, R340W.
Identifiers: ClinVar variation 3340771 (VCV003340771.2).